The following is an entry in ClinVar:

ClinVar aggregate classification (germline): Uncertain significance (1 of 4 stars; one submission).

Conditions:
Left ventricular noncompaction 8 (LVNC8). Identifiers: Orphanet 154, Orphanet 54260, MedGen C3809288, MONDO:0014152, OMIM 615373.

Submission:

Labcorp Genetics (formerly Invitae), Labcorp
Classification: Uncertain significance for Left ventricular noncompaction 8. Last evaluated: 2022-09-09. Review status: criteria provided, single submitter. Criteria: Invitae Variant Classification Sherloc (09022015). Collection method: clinical testing. Allele origin: germline.
Comment: This sequence change replaces glycine, which is neutral and non-polar, with glutamic acid, which is acidic and polar, at codon 1193 of the PRDM16 protein (p.Gly1193Glu). This variant is not present in population databases (gnomAD no frequency). This variant has not been reported in the literature in individuals affected with PRDM16-related conditions. ClinVar contains an entry for this variant (Variation ID: 950618). Algorithms developed to predict the effect of missense changes on protein structure and function (SIFT, PolyPhen-2, Align-GVGD) all suggest that this variant is likely to be disruptive. Algorithms developed to predict the effect of sequence changes on RNA splicing suggest that this variant may create or strengthen a splice site. In summary, the available evidence is currently insufficient to determine the role of this variant in disease. Therefore, it has been classified as a Variant of Uncertain Significance.

NM_022114.4(PRDM16):c.3578G>A (p.Gly1193Glu)

Gene: PRDM16 (PR/SET domain 16; plus strand). Cytogenetic location: 1p36.32.
Variant type: single nucleotide variant.
Coding change: c.3578G>A on transcript NM_022114.4 (MANE Select); coding-DNA position 3578, G replaced by A.
Protein change: p.Gly1193Glu; replaces glycine 1193 with glutamic acid.
Molecular consequence: missense variant.
Genome position (GRCh38, 1-based): chr1:3,432,022, G>A. VCF-style: chr1-3432022-G-A. GRCh37 (hg19) VCF-style: chr1-3348586-G-A.
Other names: c.3578G>A, p.Gly1193Glu (NM_199454.3); short protein forms G1193E.
Identifiers: ClinVar variation 950618 (VCV000950618.9), dbSNP rs1638782306, ClinGen allele CA338004532.